The following is an entry in ClinVar:

ClinVar aggregate classification (germline): Uncertain significance (1 of 4 stars; one submission).

Allele frequency attached by ClinVar (database versions not stated): gnomAD exomes below 0.00001.
gnomAD v4.1: 2 of 1,614,056 alleles (0.00012%); highest among the groups gnomAD compares: Admixed American, 0.0033%; no homozygotes.

Submission:

Ambry Genetics
Classification: Uncertain significance. Last evaluated: 2024-09-02. Review status: criteria provided, single submitter. Criteria: Ambry Variant Classification Scheme 2023. Collection method: clinical testing. Allele origin: germline.
Comment: The p.S299A variant (also known as c.895T>G), located in coding exon 7 of the RINT1 gene, results from a T to G substitution at nucleotide position 895. The serine at codon 299 is replaced by alanine, an amino acid with similar properties. This amino acid position is conserved. In addition, this alteration is predicted to be tolerated by in silico analysis. Since supporting evidence is limited at this time, the clinical significance of this alteration remains unclear.

NM_021930.6(RINT1):c.895T>G (p.Ser299Ala)

Gene: RINT1 (RAD50 interactor 1; plus strand). Cytogenetic location: 7q22.3.
Variant type: single nucleotide variant.
Coding change: c.895T>G on transcript NM_021930.6 (MANE Select); coding-DNA position 895, T replaced by G.
Protein change: p.Ser299Ala; replaces serine 299 with alanine.
Molecular consequence: missense variant. On other transcripts: 5 prime UTR variant (2), non-coding transcript variant (1), intron variant (1).
Genome position (GRCh38, 1-based): chr7:105,548,609, T>G. VCF-style: chr7-105548609-T-G. GRCh37 (hg19) VCF-style: chr7-105189056-T-G.
Other names: c.661T>G, p.Ser221Ala (NM_001346599.2); c.-125T>G (NM_001346600.2); c.-30T>G (NM_001346601.2); c.-27-1446T>G (NM_001346603.2); short protein forms S221A, S299A.
Identifiers: ClinVar variation 1765261 (VCV001765261.3), dbSNP rs1562848858, ClinGen allele CA368807934.